The following is an entry in ClinVar:

NM_001042475.3(CEP85L):c.20C>T (p.Ala7Val)

Genes: CEP85L (centrosomal protein 85 like; minus strand), LOC129997071 (ATAC-STARR-seq lymphoblastoid silent region 17501; plus strand). Cytogenetic location: 6q22.31.
Variant type: single nucleotide variant.
Coding change: c.20C>T on transcript NM_001042475.3 (MANE Select); coding-DNA position 20, C replaced by T.
Protein change: p.Ala7Val; replaces alanine 7 with valine.
Molecular consequence: missense variant. On other transcripts: intron variant (1).
Genome position (GRCh38, 1-based): chr6:118,651,250, G>A on the plus strand (C>T on the coding strand, the complement: CEP85L is on the minus strand). VCF-style: chr6-118651250-G-A. GRCh37 (hg19) VCF-style: chr6-118972413-G-A.
Other names: c.20C>T, p.Ala7Val (NM_206921.3); c.82+1450C>T (NM_001178035.2); c.20C>T (NM_206921.2); short protein forms A7V.
Identifiers: ClinVar variation 2212915 (VCV002212915.4), dbSNP rs187158499, ClinGen allele CA146540569.

ClinVar aggregate classification (germline): Benign. Review status: criteria provided, single submitter (1 of 4 stars). 2 submissions from 2 submitters: Benign (1). 1 of the submissions does not count toward it. Last evaluated 2022-06-17.

Conditions:
Inborn genetic diseases. Identifiers: MedGen C0950123, MeSH D030342.
CEP85L-related disorder. Also called: CEP85L-related condition.

Allele frequency attached by ClinVar (database versions not stated): 1000 Genomes Project 0.00020; 1000 Genomes Project 30x 0.00031; gnomAD 0.00038; TOPMed 0.00070.
gnomAD v4.1: 253 of 1,492,186 alleles (0.017%); highest among the groups gnomAD compares: Admixed American, 0.54%; 1 homozygote.

Submissions (2):

Ambry Genetics
Classification: Benign for Inborn genetic diseases. Last evaluated: 2022-06-17. Review status: criteria provided, single submitter. Criteria: Ambry Variant Classification Scheme 2023. Collection method: clinical testing. Allele origin: germline.

PreventionGenetics, part of Exact Sciences
Classification: Likely benign for CEP85L-related condition. Last evaluated: 2023-12-21. Review status: no assertion criteria provided. Collection method: clinical testing. Allele origin: germline. Not counted in ClinVar's aggregate classification.
Comment: This variant is classified as likely benign based on ACMG/AMP sequence variant interpretation guidelines (Richards et al. 2015 PMID: 25741868, with internal and published modifications).